The following is an entry in ClinVar:

ClinVar aggregate classification (germline): Conflicting classifications of pathogenicity. Review status: criteria provided, conflicting classifications (1 of 4 stars). 4 submissions from 4 submitters: Likely pathogenic (1); Uncertain significance (3). Last evaluated 2024-07-30.

Conditions:
Hereditary cancer-predisposing syndrome. Also called: Tumor predisposition; Hereditary neoplastic syndrome; Neoplastic Syndromes, Hereditary; Hereditary Cancer Syndrome. Identifiers: Orphanet 140162, MedGen C0027672, MeSH D009386, MONDO:0015356.
Ataxia-telangiectasia syndrome (AT). Also called: Ataxia-telangiectasia, complementation group D; AT, COMPLEMENTATION GROUP C; ATAXIA-TELANGIECTASIA, COMPLEMENTATION GROUP A; ATAXIA-TELANGIECTASIA, FRESNO VARIANT; Ataxia-telangiectasia; LOUIS-BAR SYNDROME. Identifiers: Orphanet 100, MedGen C0004135, MONDO:0008840, OMIM 208900.

Allele frequency attached by ClinVar (database versions not stated): gnomAD exomes below 0.00001; TOPMed below 0.00001.
gnomAD v4.1: 1 of 1,613,982 alleles (0.000062%); highest among the groups gnomAD compares: Non-Finnish European, 0.000085%; no homozygotes.

Submissions (4):

Women's Health and Genetics/Laboratory Corporation of America, LabCorp
Classification: Uncertain significance. Last evaluated: 2024-07-30. Review status: criteria provided, single submitter. Criteria: LabCorp Variant Classification Summary - May 2015. Collection method: clinical testing. Allele origin: germline.
Comment: Variant summary: ATM c.8294G>A (p.Gly2765Asp) results in a non-conservative amino acid change located in the Phosphatidylinositol 3-/4-kinase, catalytic domain (IPR000403) of the encoded protein sequence. Five of five in-silico tools predict a damaging effect of the variant on protein function. The variant was absent in 251386 control chromosomes. The available data on variant occurrences in the general population are insufficient to allow any conclusion about variant significance. Although at-least one other variant at the same codon (c.8293G>A, p.Gly2765Ser) has been reported in individuals affected with Ataxia-Telangiectasia, to our knowledge, no occurrence of c.8294G>A in individuals affected with Ataxia-Telangiectasia/Breast/ATM-associated cancers and no experimental evidence demonstrating its impact on protein function have been reported. ClinVar contains an entry for this variant (Variation ID: 628063). Based on the evidence outlined above, the variant was classified as uncertain significance.

Ambry Genetics
Classification: Uncertain significance for Hereditary cancer-predisposing syndrome. Last evaluated: 2023-08-31. Review status: criteria provided, single submitter. Criteria: Ambry Variant Classification Scheme 2023. Collection method: clinical testing. Allele origin: germline.
Comment: The p.G2765D variant (also known as c.8294G>A), located in coding exon 56 of the ATM gene, results from a G to A substitution at nucleotide position 8294. The glycine at codon 2765 is replaced by aspartic acid, an amino acid with similar properties. This amino acid position is highly conserved in available vertebrate species. In addition, this alteration is predicted to be deleterious by in silico analysis. Since supporting evidence is limited at this time, the clinical significance of this alteration remains unclear.

Labcorp Genetics (formerly Invitae), Labcorp
Classification: Likely pathogenic for Ataxia-telangiectasia syndrome. Last evaluated: 2022-11-05. Review status: criteria provided, single submitter. Criteria: Invitae Variant Classification Sherloc (09022015). Collection method: clinical testing. Allele origin: germline.
Comment: In summary, the currently available evidence indicates that the variant is pathogenic, but additional data are needed to prove that conclusively. Therefore, this variant has been classified as Likely Pathogenic. This variant disrupts the p.Gly2765 amino acid residue in ATM. Other variant(s) that disrupt this residue have been determined to be pathogenic (PMID: 19431188, 21792198). This suggests that this residue is clinically significant, and that variants that disrupt this residue are likely to be disease-causing. Algorithms developed to predict the effect of missense changes on protein structure and function (SIFT, PolyPhen-2, Align-GVGD) all suggest that this variant is likely to be disruptive. ClinVar contains an entry for this variant (Variation ID: 628063). This variant has not been reported in the literature in individuals affected with ATM-related conditions. This variant is not present in population databases (gnomAD no frequency). This sequence change replaces glycine, which is neutral and non-polar, with aspartic acid, which is acidic and polar, at codon 2765 of the ATM protein (p.Gly2765Asp).

Color Diagnostics, LLC DBA Color Health
Classification: Uncertain significance for Hereditary cancer-predisposing syndrome. Last evaluated: 2018-09-29. Review status: criteria provided, single submitter. Criteria: ACMG Guidelines, 2015. Collection method: clinical testing. Allele origin: germline.

Literature cited by the submitters: PubMed 19431188 (cited by Labcorp Genetics (formerly Invitae), Labcorp); PubMed 21792198 (cited by Labcorp Genetics (formerly Invitae), Labcorp).

NM_000051.4(ATM):c.8294G>A (p.Gly2765Asp)

Genes: ATM (ATM serine/threonine kinase; plus strand), C11orf65 (chromosome 11 open reading frame 65; minus strand). Cytogenetic location: 11q22.3.
Variant type: single nucleotide variant.
Coding change: c.8294G>A on transcript NM_000051.4 (MANE Select); coding-DNA position 8294, G replaced by A.
Protein change: p.Gly2765Asp; replaces glycine 2765 with aspartic acid.
Molecular consequence: missense variant. On other transcripts: intron variant (2).
Genome position (GRCh38, 1-based): chr11:108,343,247, G>A. VCF-style: chr11-108343247-G-A. GRCh37 (hg19) VCF-style: chr11-108213974-G-A.
Other names: c.8294G>A, p.Gly2765Asp (NM_001351834.2); c.641-34176C>T (NM_001330368.2); c.695-7955C>T (NM_001351110.2); short protein forms G2765D.
Identifiers: ClinVar variation 628063 (VCV000628063.13), dbSNP rs1565557835, ClinGen allele CA382516329.